The following is an entry in ClinVar:

ClinVar aggregate classification (germline): Pathogenic/Likely pathogenic. Review status: criteria provided, multiple submitters, no conflicts (2 of 4 stars). 3 submissions from 3 submitters: Pathogenic (2); Likely pathogenic (1). Last evaluated 2023-11-27.

Conditions:
Spondyloepimetaphyseal dysplasia, Strudwick type (SEMDSTWK). Also called: DAPPLED METAPHYSIS SYNDROME; STRUDWICK SYNDROME. Identifiers: Orphanet 93346, MedGen C0700635, MONDO:0008476, OMIM 184250.
Spondyloepiphyseal dysplasia congenita (SEDC). Also called: SED CONGENITA; SPONDYLOEPIPHYSEAL DYSPLASIA, CONGENITAL TYPE. Identifiers: Orphanet 94068, MedGen C2745959, MONDO:0008471, OMIM 183900.

Submissions (3):

Division of Medical Genetics, Department of Pediatrics, All India Institute of Medical Sciences, New Delhi
Classification: Pathogenic for Spondyloepimetaphyseal dysplasia, Strudwick type. Last evaluated: 2023-11-27. Review status: criteria provided, single submitter. Criteria: ACMG Guidelines, 2015. Collection method: research. Allele origin: unknown. Inheritance: Autosomal dominant inheritance. Affected: yes.

Labcorp Genetics (formerly Invitae), Labcorp
Classification: Likely pathogenic. Last evaluated: 2022-11-20. Review status: criteria provided, single submitter. Criteria: Invitae Variant Classification Sherloc (09022015). Collection method: clinical testing. Allele origin: germline.
Comment: ClinVar contains an entry for this variant (Variation ID: 1326876). This variant has not been reported in the literature in individuals affected with COL2A1-related conditions. This variant is not present in population databases (gnomAD no frequency). This sequence change replaces glycine, which is neutral and non-polar, with arginine, which is basic and polar, at codon 594 of the COL2A1 protein (p.Gly594Arg). Advanced modeling of protein sequence and biophysical properties (such as structural, functional, and spatial information, amino acid conservation, physicochemical variation, residue mobility, and thermodynamic stability) performed at Invitae indicates that this missense variant is expected to disrupt COL2A1 protein function. In summary, the currently available evidence indicates that the variant is pathogenic, but additional data are needed to prove that conclusively. Therefore, this variant has been classified as Likely Pathogenic. This variant disrupts the triple helix domain of COL2A1. Glycine residues within the Gly-Xaa-Yaa repeats of the triple helix domain are required for the structure and stability of fibrillar collagens (PMID: 7695699, 8218237, 19344236). In COL2A1, variants affecting these glycine residues are significantly enriched in individuals with disease (PMID: 9016532, 17078022) compared to the general population (ExAC).

Laboratory of Inherited Metabolic Diseases, Research centre for medical genetics
Classification: Pathogenic for Spondyloepiphyseal dysplasia congenita. Last evaluated: 2018-10-11. Review status: criteria provided, single submitter. Criteria: ACMG Guidelines, 2015. Collection method: clinical testing. Allele origin: de novo. Affected: yes. Observed: 1 variant allele.

Literature cited by the submitters: PubMed 7695699 (cited by Labcorp Genetics (formerly Invitae), Labcorp); PubMed 8218237 (cited by Labcorp Genetics (formerly Invitae), Labcorp); PubMed 19344236 (cited by Labcorp Genetics (formerly Invitae), Labcorp); PubMed 9016532 (cited by Labcorp Genetics (formerly Invitae), Labcorp); PubMed 17078022 (cited by Labcorp Genetics (formerly Invitae), Labcorp).

NM_001844.5(COL2A1):c.1780G>A (p.Gly594Arg)

Gene: COL2A1 (collagen type II alpha 1 chain; minus strand). Cytogenetic location: 12q13.11.
Variant type: single nucleotide variant.
Coding change: c.1780G>A on transcript NM_001844.5 (MANE Select); coding-DNA position 1780, G replaced by A.
Protein change: p.Gly594Arg; replaces glycine 594 with arginine.
Molecular consequence: missense variant.
Genome position (GRCh38, 1-based): chr12:47,985,048, C>T on the plus strand (G>A on the coding strand, the complement: COL2A1 is on the minus strand). VCF-style: chr12-47985048-C-T. GRCh37 (hg19) VCF-style: chr12-48378831-C-T.
Other names: c.1573G>A, p.Gly525Arg (NM_033150.3); short protein forms G525R, G594R.
Identifiers: ClinVar variation 1326876 (VCV001326876.5), dbSNP rs2136564199, ClinGen allele CA384550654.